The following is an entry in ClinVar:

ClinVar aggregate classification (germline): Benign. Review status: criteria provided, multiple submitters, no conflicts (2 of 4 stars). 3 submissions from 3 submitters: Benign (2). 1 of the submissions does not count toward it. Last evaluated 2019-12-31.

Conditions:
XIRP2-related disorder. Also called: XIRP2-related condition.

Allele frequency attached by ClinVar (database versions not stated): gnomAD exomes 0.00064; ExAC 0.00078; 1000 Genomes Project 30x 0.00281; ESP Exome Variant Server 0.00286; gnomAD 0.00288 and 0.00305; 1000 Genomes Project 0.00300; TOPMed 0.00342.

Submissions (3):

Labcorp Genetics (formerly Invitae), Labcorp
Classification: Benign. Last evaluated: 2019-12-31. Review status: criteria provided, single submitter. Criteria: Invitae Variant Classification Sherloc (09022015). Collection method: clinical testing. Allele origin: germline.

Breakthrough Genomics
Classification: Benign. Review status: criteria provided, single submitter. Criteria: ACMG Guidelines, 2015. Collection method: not provided. Allele origin: germline. Inheritance: Unknown mechanism. Affected: yes.

PreventionGenetics, part of Exact Sciences
Classification: Benign for XIRP2-related condition. Last evaluated: 2019-10-28. Review status: no assertion criteria provided. Collection method: clinical testing. Allele origin: germline. Not counted in ClinVar's aggregate classification.
Comment: This variant is classified as benign based on ACMG/AMP sequence variant interpretation guidelines (Richards et al. 2015 PMID: 25741868, with internal and published modifications).

NM_152381.6(XIRP2):c.2557C>T (p.Leu853=)

Gene: XIRP2 (xin actin binding repeat containing 2; plus strand). Cytogenetic location: 2q24.3.
Variant type: single nucleotide variant.
Coding change: c.2557C>T on transcript NM_152381.6 (MANE Select); coding-DNA position 2557, C replaced by T.
Protein change: p.Leu853=; no amino-acid change (leucine 853 retained).
Molecular consequence: synonymous variant. On other transcripts: intron variant (3).
Genome position (GRCh38, 1-based): chr2:167,243,949, C>T. VCF-style: chr2-167243949-C-T. GRCh37 (hg19) VCF-style: chr2-168100459-C-T.
Other names: c.1891C>T, p.Leu631= (NM_001199144.2); c.1275+2039C>T (NM_001199143.2); c.1176+2039C>T (NM_001079810.4); c.510+2039C>T (NM_001199145.2); c.2557C>T (NM_152381.5).
Identifiers: ClinVar variation 729117 (VCV000729117.7), dbSNP rs183271329, ClinGen allele CA1946691.